The following is an entry in ClinVar:

ClinVar aggregate classification (germline): Uncertain significance (1 of 4 stars; one submission).

Allele frequency attached by ClinVar (database versions not stated): ExAC 0.00002; gnomAD 0.00011; TOPMed 0.00013.
gnomAD v4.1: 208 of 1,593,862 alleles (0.013%); highest among the groups gnomAD compares: Non-Finnish European, 0.017%; no homozygotes.

Submission:

Labcorp Genetics (formerly Invitae), Labcorp
Classification: Uncertain significance. Last evaluated: 2025-10-26. Review status: criteria provided, single submitter. Criteria: Invitae Variant Classification Sherloc (09022015). Collection method: clinical testing. Allele origin: germline.
Comment: This sequence change replaces glycine, which is neutral and non-polar, with arginine, which is basic and polar, at codon 12 of the TBX6 protein (p.Gly12Arg). This variant is present in population databases (rs542276510, gnomAD 0.009%). This variant has not been reported in the literature in individuals affected with TBX6-related conditions. ClinVar contains an entry for this variant (Variation ID: 2917983). An algorithm developed to predict the effect of missense changes on protein structure and function (PolyPhen-2) suggests that this variant is likely to be disruptive. In summary, the available evidence is currently insufficient to determine the role of this variant in disease. Therefore, it has been classified as a Variant of Uncertain Significance.

NM_004608.4(TBX6):c.34G>C (p.Gly12Arg)

Gene: TBX6 (T-box transcription factor 6; minus strand). Cytogenetic location: 16p11.2.
Variant type: single nucleotide variant.
Coding change: c.34G>C on transcript NM_004608.4 (MANE Select); coding-DNA position 34, G replaced by C.
Protein change: p.Gly12Arg; replaces glycine 12 with arginine.
Molecular consequence: missense variant.
Genome position (GRCh38, 1-based): chr16:30,091,160, C>G on the plus strand (G>C on the coding strand, the complement: TBX6 is on the minus strand). VCF-style: chr16-30091160-C-G. GRCh37 (hg19) VCF-style: chr16-30102481-C-G.
Other names: short protein forms G12R.
Identifiers: ClinVar variation 2917983 (VCV002917983.3), dbSNP rs542276510, ClinGen allele CA8002035.